The following is an entry in ClinVar:

ClinVar aggregate classification (germline): Uncertain significance (1 of 4 stars; one submission).

Allele frequency attached by ClinVar (database versions not stated): TOPMed below 0.00001; gnomAD 0.00001; gnomAD exomes 0.00001.
gnomAD v4.1: 10 of 1,204,833 alleles (0.00083%); highest among the groups gnomAD compares: Non-Finnish European, 0.0011%; no homozygotes.

Submission:

GeneDx
Classification: Uncertain significance. Last evaluated: 2022-08-25. Review status: criteria provided, single submitter. Criteria: GeneDx Variant Classification Process June 2021. Collection method: clinical testing. Allele origin: germline. Affected: yes.
Comment: Not observed at significant frequency in large population cohorts (gnomAD); In silico analysis supports that this missense variant does not alter protein structure/function; Has not been previously published as pathogenic or benign to our knowledge

NM_153252.5(BRWD3):c.3146A>G (p.Gln1049Arg)

Gene: BRWD3 (bromodomain and WD repeat domain containing 3; minus strand). Cytogenetic location: Xq21.1.
Variant type: single nucleotide variant.
Coding change: c.3146A>G on transcript NM_153252.5 (MANE Select); coding-DNA position 3146, A replaced by G.
Protein change: p.Gln1049Arg; replaces glutamine 1049 with arginine.
Molecular consequence: missense variant.
Genome position (GRCh38, 1-based): chrX:80,695,913, T>C on the plus strand (A>G on the coding strand, the complement: BRWD3 is on the minus strand). VCF-style: chrX-80695913-T-C. GRCh37 (hg19) VCF-style: chrX-79951412-T-C.
Other names: short protein forms Q1049R.
Identifiers: ClinVar variation 1704947 (VCV001704947.2), dbSNP rs1459097306, ClinGen allele CA413619847.
Genomic context (GRCh38, chrX:80,695,913, plus strand): 5'-AAGTTACTTACTGTACATAAGCTTAATAGTTATTAAACAACAATTCTATATTTACCAATC[T>C]GCCAGTTCCTTTCTTTGGCTTCATTATAAAACTGATGTAGCACAAGGAAGTCAATGACAT-3'
Protein context (NP_694984.5, residues 1039-1059): FYNEAKERNW[Gln1049Arg]IGDRFRSIID